The following is an entry in ClinVar:

NM_003070.5(SMARCA2):c.1035G>A (p.Glu345=)

Gene: SMARCA2 (SWI/SNF related BAF chromatin remodeling complex subunit ATPase 2; plus strand). Cytogenetic location: 9p24.3.
Variant type: single nucleotide variant.
Coding change: c.1035G>A on transcript NM_003070.5 (MANE Select); coding-DNA position 1035, G replaced by A.
Protein change: p.Glu345=; no amino-acid change (glutamic acid 345 retained).
Molecular consequence: synonymous variant.
Genome position (GRCh38, 1-based): chr9:2,047,473, G>A. VCF-style: chr9-2047473-G-A. GRCh37 (hg19) VCF-style: chr9-2047473-G-A.
Other names: c.1035G>A, p.Glu345= (NM_001289396.2, NM_001289397.2, NM_139045.4).
Identifiers: ClinVar variation 1335724 (VCV001335724.34), dbSNP rs2130293873, ClinGen allele CA463708165.

ClinVar aggregate classification (germline): Likely benign (1 of 4 stars; one submission).

Submission:

CeGaT Center for Human Genetics Tuebingen
Classification: Likely benign. Last evaluated: 2023-01-01. Review status: criteria provided, single submitter. Criteria: CeGaT Center For Human Genetics Tuebingen Variant Classification Criteria Version 2. Collection method: clinical testing. Allele origin: germline. Affected: yes. Observed: 2 variant alleles.
Comment: SMARCA2: PM2:Supporting, BP4, BP7